The following is an entry in ClinVar:

NM_001165963.4(SCN1A):c.3064_3065delinsAA (p.Gly1022Lys)

Gene: SCN1A (sodium voltage-gated channel alpha subunit 1; minus strand). Cytogenetic location: 2q24.3.
Variant type: Indel.
Coding change: c.3064_3065delinsAA on transcript NM_001165963.4 (MANE Select); coding-DNA positions 3064 to 3065, GG replaced by AA.
Protein change: p.Gly1022Lys; replaces glycine 1022 with lysine.
Molecular consequence: missense variant. On other transcripts: non-coding transcript variant (1).
Genome position (GRCh38, 1-based): chr2:166,036,412-166,036,413, CC replaced by TT on the plus strand (GG replaced by AA on the coding strand, the reverse complement: SCN1A is on the minus strand). VCF-style: chr2-166036412-CC-TT. GRCh37 (hg19) VCF-style: chr2-166892922-CC-TT.
Other names: c.2980_2981delinsAA, p.Gly994Lys (NM_001165964.3, NM_001353957.2, NM_001353958.2); c.3064_3065delinsAA, p.Gly1022Lys (NM_001202435.3, NM_001353948.2); c.3031_3032delinsAA, p.Gly1011Lys (NM_001353949.2, NM_001353950.2, NM_001353951.2 and 2 more transcripts); c.3028_3029delinsAA, p.Gly1010Lys (NM_001353954.2, NM_001353955.2); c.2977_2978delinsAA, p.Gly993Lys (NM_001353960.2); c.622_623delinsAA, p.Gly208Lys (NM_001353961.2); short protein forms G1010K, G1011K, G1022K, G208K, G993K, G994K.
Identifiers: ClinVar variation 1312235 (VCV001312235.2), dbSNP rs2105796551, ClinGen allele CA2573051705.
Genomic context (GRCh38, chr2:166,036,412, plus strand): 5'-TGTTTCCTAATGAAGGACTGTTGAATAAATTCATATATTTTTCTTTTCACATAAGCTACT[CC>TT]TTTGTGCATCCTATCCACAGCAATTTGGAGATTATTCATTTCATTATCATCATCAGTGGC-3'
Protein context (NP_001159435.1, residues 1012-1032): LQIAVDRMHK[Gly1022Lys]VAYVKRKIYE

ClinVar aggregate classification (germline): Uncertain significance (1 of 4 stars; one submission).

Submission:

GeneDx
Classification: Uncertain significance. Last evaluated: 2019-09-13. Review status: criteria provided, single submitter. Criteria: GeneDx Variant Classification Process June 2021. Collection method: clinical testing. Allele origin: germline. Affected: yes.
Comment: This substitution is predicted to be within the intracellular loop between the second and third homologous domain.; The majority of missense variants in this gene are considered pathogenic (Stenson et al., 2014); Has not been previously published as pathogenic or benign to our knowledge; In silico analysis, which includes protein predictors and evolutionary conservation, supports a deleterious effect; Not observed in large population cohorts (Lek et al., 2016)